The following is an entry in ClinVar:

NM_004304.5(ALK):c.470C>T (p.Pro157Leu)

Gene: ALK (ALK receptor tyrosine kinase; minus strand). Cytogenetic location: 2p23.1.
Variant type: single nucleotide variant.
Coding change: c.470C>T on transcript NM_004304.5 (MANE Select); coding-DNA position 470, C replaced by T.
Protein change: p.Pro157Leu; replaces proline 157 with leucine.
Molecular consequence: missense variant.
Genome position (GRCh38, 1-based): chr2:29,920,190, G>A on the plus strand (C>T on the coding strand, the complement: ALK is on the minus strand). VCF-style: chr2-29920190-G-A. GRCh37 (hg19) VCF-style: chr2-30143056-G-A.
Other names: short protein forms P157L.
Identifiers: ClinVar variation 570092 (VCV000570092.19), dbSNP rs775385954, ClinGen allele CA1594961.

ClinVar aggregate classification (germline): Conflicting classifications of pathogenicity. Review status: criteria provided, conflicting classifications (1 of 4 stars). 6 submissions from 6 submitters: Uncertain significance (5); Benign (1). Last evaluated 2026-01-02.

Conditions:
Hereditary cancer-predisposing syndrome. Also called: Neoplastic Syndromes, Hereditary; Hereditary Cancer Syndrome; Hereditary neoplastic syndrome; Tumor predisposition. Identifiers: Orphanet 140162, MedGen C0027672, MeSH D009386, MONDO:0015356.
Neuroblastoma, susceptibility to, 3. Also called: ALK-Related Neuroblastic Tumor Susceptibility. Identifiers: Orphanet 635, MedGen C2751681, MONDO:0013083, OMIM 613014.

Allele frequency attached by ClinVar (database versions not stated): gnomAD exomes 0.00001 and 0.00002; ExAC 0.00004; gnomAD 0.00013 and 0.00011; TOPMed 0.00016.
gnomAD v4.1: 32 of 1,613,344 alleles (0.002%); highest among the groups gnomAD compares: African/African-American, 0.033%; no homozygotes.

Submissions (6):

Dasa
Classification: Uncertain significance for Neuroblastoma, susceptibility to, 3. Last evaluated: 2026-01-02. Review status: criteria provided, single submitter. Criteria: DASA Assertion Criteria. Collection method: clinical testing. Allele origin: germline.
Comment: NM_004304.5(ALK):c.470C>T (p.Pro157Leu) is a missense variant that results in the substitution of proline with leucine. This variant is rare in population databases. Computational prediction algorithms are consistent with a benign effect. The currently available literature and clinical evidence are not sufficient to establish a definitive association between this variant and the reported condition. Therefore, this variant is classified as a variant of uncertain significance.

Labcorp Genetics (formerly Invitae), Labcorp
Classification: Uncertain significance for Neuroblastoma, susceptibility to, 3. Last evaluated: 2025-12-08. Review status: criteria provided, single submitter. Criteria: Invitae Variant Classification Sherloc (09022015). Collection method: clinical testing. Allele origin: germline.
Comment: This sequence change replaces proline, which is neutral and non-polar, with leucine, which is neutral and non-polar, at codon 157 of the ALK protein (p.Pro157Leu). This variant is present in population databases (rs775385954, gnomAD 0.04%). This variant has not been reported in the literature in individuals affected with ALK-related conditions. ClinVar contains an entry for this variant (Variation ID: 570092). An algorithm developed to predict the effect of missense changes on protein structure and function outputs the following: PolyPhen-2: "Benign". The leucine amino acid residue is found in multiple mammalian species, which suggests that this missense change does not adversely affect protein function. In summary, the available evidence is currently insufficient to determine the role of this variant in disease. Therefore, it has been classified as a Variant of Uncertain Significance.

GeneDx
Classification: Uncertain significance. Last evaluated: 2024-09-10. Review status: criteria provided, single submitter. Criteria: GeneDx Variant Classification Process June 2021. Collection method: clinical testing. Allele origin: germline. Affected: yes.
Comment: In silico analysis indicates that this missense variant does not alter protein structure/function; Observed in an individual with breast cancer (PMID: 29684080); This variant is associated with the following publications: (PMID: 29684080)

Ambry Genetics
Classification: Benign for Hereditary cancer-predisposing syndrome. Last evaluated: 2024-06-26. Review status: criteria provided, single submitter. Criteria: Ambry Variant Classification Scheme 2023. Collection method: clinical testing. Allele origin: germline.

St. Jude Molecular Pathology, St. Jude Children's Research Hospital
Classification: Uncertain significance for Neuroblastoma, susceptibility to, 3. Last evaluated: 2024-05-08. Review status: criteria provided, single submitter. Criteria: St. Jude Assertion Criteria 2020. Collection method: clinical testing. Allele origin: germline.

Sema4
Classification: Uncertain significance for Hereditary cancer-predisposing syndrome. Last evaluated: 2021-05-20. Review status: criteria provided, single submitter. Criteria: Sema4 Curation Guidelines. Collection method: curation. Allele origin: germline.
Comment: The ALK c.470C>T (p.P157L) variant has not been reported in the literature to our knowledge. It was observed in 9/23726 chromosomes of the African/African American subpopulation in the large and broad cohorts of the Genome Aggregation Database (PMID: 32461654). The subpopulation frequency of this variant is higher than expected for a pathogenic variant based on disease/syndrome prevalence and penetrance. This variant has been reported in ClinVar (Variation ID: 570092). In silico tools suggest the impact of the variant on protein function is benign, though these predictions have not been confirmed by functional studies. The evidence is insufficient to meet ACMG/AMP criteria for classifying the variant as benign or pathogenic. Thus, the clinical significance of this variant is currently uncertain.